The following is an entry in ClinVar:

NM_015164.4(PLEKHM2):c.2510G>A (p.Arg837Gln)

Gene: PLEKHM2 (pleckstrin homology and RUN domain containing M2; plus strand). Cytogenetic location: 1p36.21.
Variant type: single nucleotide variant.
Coding change: c.2510G>A on transcript NM_015164.4 (MANE Select); coding-DNA position 2510, G replaced by A.
Protein change: p.Arg837Gln; replaces arginine 837 with glutamine.
Molecular consequence: missense variant.
Genome position (GRCh38, 1-based): chr1:15,731,933, G>A. VCF-style: chr1-15731933-G-A. GRCh37 (hg19) VCF-style: chr1-16058428-G-A.
Other names: c.2510G>A (NM_015164.2); short protein forms R837Q.
Identifiers: ClinVar variation 1362409 (VCV001362409.9), dbSNP rs1325122392, ClinGen allele CA338573215.
Genomic context (GRCh38, chr1:15,731,933, plus strand): 5'-TCCTCCTCTGGCCCAGGGGGGAGCAGTGCGGTGGCTGCCGGAGAGCCAACACCACGGATC[G>A]GCCCCACGCCTTCCAGGTCATTCTCTCCGACCGGCCCTGCCTGGAGCTAAGTGCCGAGAG-3'
Protein context (NP_055979.2, residues 827-847): GGCRRANTTD[Arg837Gln]PHAFQVILSD

ClinVar aggregate classification (germline): Uncertain significance. Review status: criteria provided, multiple submitters, no conflicts (2 of 4 stars). 2 submissions from 2 submitters: Uncertain significance (2). Last evaluated 2025-02-25.

Allele frequency attached by ClinVar (database versions not stated): gnomAD exomes below 0.00001; gnomAD 0.00001; TOPMed 0.00001.
gnomAD v4.1: 18 of 1,611,384 alleles (0.0011%); highest among the groups gnomAD compares: East Asian, 0.0022%; no homozygotes.

Submissions (2):

Ambry Genetics
Classification: Uncertain significance. Last evaluated: 2025-02-25. Review status: criteria provided, single submitter. Criteria: Ambry Variant Classification Scheme 2023. Collection method: clinical testing. Allele origin: germline.

Labcorp Genetics (formerly Invitae), Labcorp
Classification: Uncertain significance. Last evaluated: 2025-01-22. Review status: criteria provided, single submitter. Criteria: Invitae Variant Classification Sherloc (09022015). Collection method: clinical testing. Allele origin: germline.
Comment: This sequence change replaces arginine, which is basic and polar, with glutamine, which is neutral and polar, at codon 837 of the PLEKHM2 protein (p.Arg837Gln). This variant is present in population databases (no rsID available, gnomAD 0.006%). This variant has not been reported in the literature in individuals affected with PLEKHM2-related conditions. ClinVar contains an entry for this variant (Variation ID: 1362409). An algorithm developed to predict the effect of missense changes on protein structure and function (PolyPhen-2) suggests that this variant is likely to be disruptive. In summary, the available evidence is currently insufficient to determine the role of this variant in disease. Therefore, it has been classified as a Variant of Uncertain Significance.